The following is an entry in ClinVar:

ClinVar aggregate classification (germline): Benign/Likely benign. Review status: criteria provided, multiple submitters, no conflicts (2 of 4 stars). 3 submissions from 3 submitters: Benign (1); Likely benign (2). Last evaluated 2024-10-15.

Conditions:
Hereditary diffuse gastric adenocarcinoma (HDGC). Also called: DIFFUSE GASTRIC AND LOBULAR BREAST CANCER SYNDROME. Identifiers: Orphanet 26106, MedGen C1708349, MONDO:0007648, OMIM 137215.
Hereditary cancer-predisposing syndrome. Also called: Neoplastic Syndromes, Hereditary; Tumor predisposition; Hereditary neoplastic syndrome; Hereditary Cancer Syndrome. Identifiers: Orphanet 140162, MedGen C0027672, MeSH D009386, MONDO:0015356.

Submissions (3):

Myriad Genetics, Inc.
Classification: Benign for Hereditary diffuse gastric adenocarcinoma. Last evaluated: 2024-10-15. Review status: criteria provided, single submitter. Criteria: Myriad Autosomal Dominant, Autosomal Recessive and X-Linked Classification Criteria (2023). Collection method: clinical testing. Allele origin: unknown.
Comment: This variant is considered benign. This variant is a silent/synonymous amino acid change and it is not expected to impact splicing.

Labcorp Genetics (formerly Invitae), Labcorp
Classification: Likely benign. Last evaluated: 2024-08-04. Review status: criteria provided, single submitter. Criteria: Invitae Variant Classification Sherloc (09022015). Collection method: clinical testing. Allele origin: germline.

Ambry Genetics
Classification: Likely benign for Hereditary cancer-predisposing syndrome. Last evaluated: 2022-04-19. Review status: criteria provided, single submitter. Criteria: Ambry Variant Classification Scheme 2023. Collection method: clinical testing. Allele origin: germline.

NM_001903.5(CTNNA1):c.2565T>C (p.Pro855=)

Gene: CTNNA1 (catenin alpha 1; plus strand). Cytogenetic location: 5q31.2.
Variant type: single nucleotide variant.
Coding change: c.2565T>C on transcript NM_001903.5 (MANE Select); coding-DNA position 2565, T replaced by C.
Protein change: p.Pro855=; no amino-acid change (proline 855 retained).
Molecular consequence: synonymous variant. On other transcripts: 3 prime UTR variant (5).
Genome position (GRCh38, 1-based): chr5:138,933,933, T>C. VCF-style: chr5-138933933-T-C. GRCh37 (hg19) VCF-style: chr5-138269622-T-C.
Other names: c.*110T>C (NM_001290307.3, NM_001324002.1, NM_001324003.1 and 2 more transcripts); c.2256T>C, p.Pro752= (NM_001290309.3); c.2196T>C, p.Pro732= (NM_001290310.3); c.1455T>C, p.Pro485= (NM_001290312.1, NM_001323987.1, NM_001323988.1 and 12 more transcripts); c.2565T>C, p.Pro855= (NM_001323982.2, NM_001323983.1, NM_001323984.2); c.2538T>C, p.Pro846= (NM_001323985.2); c.2472T>C, p.Pro824= (NM_001323986.2); c.1320T>C, p.Pro440= (NM_001324001.1); and 3 more.
Identifiers: ClinVar variation 1793166 (VCV001793166.8), dbSNP rs1561784720, ClinGen allele CA446793241.